The following is an entry in ClinVar:

NM_170692.4(RASAL2):c.2236C>A (p.Leu746Ile)

Gene: RASAL2 (RAS protein activator like 2; plus strand). Cytogenetic location: 1q25.2.
Variant type: single nucleotide variant.
Coding change: c.2236C>A on transcript NM_170692.4 (MANE Select); coding-DNA position 2236, C replaced by A.
Protein change: p.Leu746Ile; replaces leucine 746 with isoleucine.
Molecular consequence: missense variant.
Genome position (GRCh38, 1-based): chr1:178,456,745, C>A. VCF-style: chr1-178456745-C-A. GRCh37 (hg19) VCF-style: chr1-178425880-C-A.
Other names: c.1813C>A, p.Leu605Ile (NM_004841.5); short protein forms L605I, L746I.
Identifiers: ClinVar variation 3338181 (VCV003338181.2).

ClinVar aggregate classification (germline): Uncertain significance (0 of 4 stars; one submission).

Conditions:
Autism (AUTS). Also called: Autistic disorder of childhood onset; Autistic disorder. Identifiers: MedGen C0004352, MeSH D001321, MONDO:0005260, OMIM 209850, HP:0000717.

gnomAD v4.1: 521 of 1,614,158 alleles (0.032%); highest among the groups gnomAD compares: South Asian, 0.54%; 3 homozygotes.

Submission:

Centre for Addiction & Mental Health
Classification: Uncertain significance for Autism. Review status: no assertion criteria provided. Collection method: research. Allele origin: biparental. Affected: yes. Observed: 1 homozygote. Segregation with disease observed.
Comment: Gene not previously associated with disease; independent supportng evidence needed